The following is an entry in ClinVar:

ClinVar aggregate classification (germline): Uncertain significance (1 of 4 stars; one submission).

Conditions:
Hereditary cancer-predisposing syndrome. Also called: Hereditary Cancer Syndrome; Hereditary neoplastic syndrome; Tumor predisposition; Neoplastic Syndromes, Hereditary. Identifiers: Orphanet 140162, MedGen C0027672, MeSH D009386, MONDO:0015356.

Submission:

Ambry Genetics
Classification: Uncertain significance for Hereditary cancer-predisposing syndrome. Last evaluated: 2022-01-28. Review status: criteria provided, single submitter. Criteria: Ambry Variant Classification Scheme 2023. Collection method: clinical testing. Allele origin: germline.
Comment: The p.E813V variant (also known as c.2438A>T), located in coding exon 17 of the TSC1 gene, results from an A to T substitution at nucleotide position 2438. The glutamic acid at codon 813 is replaced by valine, an amino acid with dissimilar properties. This amino acid position is conserved. In addition, the in silico prediction for this alteration is inconclusive. Since supporting evidence is limited at this time, the clinical significance of this alteration remains unclear.

NM_000368.5(TSC1):c.2438A>T (p.Glu813Val)

Gene: TSC1 (TSC complex subunit 1; minus strand). Cytogenetic location: 9q34.13.
Variant type: single nucleotide variant.
Coding change: c.2438A>T on transcript NM_000368.5 (MANE Select); coding-DNA position 2438, A replaced by T.
Protein change: p.Glu813Val; replaces glutamic acid 813 with valine.
Molecular consequence: missense variant.
Genome position (GRCh38, 1-based): chr9:132,901,653, T>A on the plus strand (A>T on the coding strand, the complement: TSC1 is on the minus strand). VCF-style: chr9-132901653-T-A. GRCh37 (hg19) VCF-style: chr9-135777040-T-A.
Other names: c.2435A>T, p.Glu812Val (NM_001162426.2, NM_001406597.1, NM_001406598.1 and 4 more transcripts); c.2285A>T, p.Glu762Val (NM_001162427.2, NM_001406610.1); c.2075A>T, p.Glu692Val (NM_001362177.2, NM_001406614.1, NM_001406615.1 and 5 more transcripts); c.2438A>T, p.Glu813Val (NM_001406592.1, NM_001406593.1, NM_001406594.1 and 5 more transcripts); c.2423A>T, p.Glu808Val (NM_001406601.1, NM_001406602.1); c.2420A>T, p.Glu807Val (NM_001406603.1, NM_001406604.1); c.2282A>T, p.Glu761Val (NM_001406611.1, NM_001406612.1, NM_001406613.1); c.2072A>T, p.Glu691Val (NM_001406620.1, NM_001406621.1, NM_001406622.1 and 2 more transcripts); and 3 more; short protein forms E692V, E761V, E462V, E495V, E496V, E813V, E691V, E762V.
Identifiers: ClinVar variation 1791252 (VCV001791252.2), dbSNP rs1554814657, ClinGen allele CA375358594.
Genomic context (GRCh38, chr9:132,901,653, plus strand): 5'-TGGGAAACCTGACTGAGCAGCAGCTCAGTGTGACACACCTTGTTGTTGGCCTTCTTCAGT[T>A]CTATCCGCAGCTCCGCAATCATGTTCCTGCAGTCCTCCAGCTTCGTCTGCCCAAAGAGAC-3'
Protein context (NP_000359.1, residues 803-823): CRNMIAELRI[Glu813Val]LKKANNKVCH